The following is an entry in ClinVar:

ClinVar aggregate classification (germline): Pathogenic (1 of 4 stars; one submission).

Conditions:
Autism spectrum disorder - epilepsy - arthrogryposis syndrome (AMRS). Identifiers: Orphanet 370943, MedGen C3809910, MONDO:0014248, OMIM 615553.

Submission:

Labcorp Genetics (formerly Invitae), Labcorp
Classification: Pathogenic for Autism spectrum disorder - epilepsy - arthrogryposis syndrome. Last evaluated: 2023-04-15. Review status: criteria provided, single submitter. Criteria: Invitae Variant Classification Sherloc (09022015). Collection method: clinical testing. Allele origin: germline.
Comment: This sequence change creates a premature translational stop signal (p.Leu96Profs*3) in the SLC35A3 gene. It is expected to result in an absent or disrupted protein product. Loss-of-function variants in SLC35A3 are known to be pathogenic (PMID: 24031089, 28328131). This variant is not present in population databases (gnomAD no frequency). For these reasons, this variant has been classified as Pathogenic. This variant has not been reported in the literature in individuals affected with SLC35A3-related conditions.

Literature cited by the submitters: PubMed 24031089; PubMed 28328131.

NM_012243.3(SLC35A3):c.287_288del (p.Leu96fs)

Gene: SLC35A3 (solute carrier family 35 member A3; plus strand). Cytogenetic location: 1p21.2.
Variant type: Deletion.
Coding change: c.287_288del on transcript NM_012243.3 (MANE Select); coding-DNA positions 287 to 288, 2 bases deleted (TT; older notation c.287_288delTT).
Protein change: p.Leu96fs; shifts the reading frame from leucine 96.
Molecular consequence: frameshift variant.
Genome position (GRCh38, 1-based): chr1:99,999,360-99,999,361, TT deleted. VCF-style (leftmost placement, unchanged base first): chr1-99999359-CTT-C. GRCh37 (hg19) VCF-style: chr1-100464915-CTT-C.
Other names: c.287_288del, p.Leu96fs (NM_001271684.2); c.413_414del, p.Leu138fs (NM_001271685.2); short protein forms L138fs, L96fs.
Identifiers: ClinVar variation 2996209 (VCV002996209.3), dbSNP rs2524431684, ClinGen allele CA2740090328.